The following is an entry in ClinVar:

NM_020433.5(JPH2):c.103del (p.Gln35fs)

Gene: JPH2 (junctophilin 2; minus strand). Cytogenetic location: 20q13.12.
Variant type: Deletion.
Coding change: c.103del on transcript NM_020433.5 (MANE Select); coding-DNA position 103, one base deleted (C; older notation c.103delC).
Protein change: p.Gln35fs; shifts the reading frame from glutamine 35.
Molecular consequence: frameshift variant.
Genome position (GRCh38, 1-based): chr20:44,186,603, G deleted on the plus strand (C on the coding strand, the reverse complement: JPH2 is on the minus strand); the first of 2 consecutive G bases (chr20:44,186,603-44,186,604); deleting either gives the same sequence. VCF-style (leftmost placement, unchanged base first): chr20-44186602-TG-T. GRCh37 (hg19) VCF-style: chr20-42815242-TG-T.
Other names: c.103del, p.Gln35fs (NM_175913.4); short protein forms Q35fs.
Identifiers: ClinVar variation 4719019 (VCV004719019.1).

ClinVar aggregate classification (germline): Uncertain significance (1 of 4 stars; one submission).

Conditions:
Hypertrophic cardiomyopathy. Also called: HYPERTROPHIC MYOCARDIOPATHY. Identifiers: Orphanet 217569, MedGen C0007194, MeSH D002312, MONDO:0005045, HP:0001639.

Submission:

Labcorp Genetics (formerly Invitae), Labcorp
Classification: Uncertain significance for Hypertrophic cardiomyopathy. Last evaluated: 2025-11-09. Review status: criteria provided, single submitter. Criteria: Invitae Variant Classification Sherloc (09022015). Collection method: clinical testing. Allele origin: germline.
Comment: This sequence change creates a premature translational stop signal (p.Gln35Argfs*40) in the JPH2 gene. It is expected to result in an absent or disrupted protein product. However, the current clinical and genetic evidence is not sufficient to establish whether loss-of-function variants in JPH2 cause disease. This variant is not present in population databases (gnomAD no frequency). This variant has not been reported in the literature in individuals affected with JPH2-related conditions. In summary, the available evidence is currently insufficient to determine the role of this variant in disease. Therefore, it has been classified as a Variant of Uncertain Significance.